The following is an entry in ClinVar:

NM_001081.4(CUBN):c.10233G>A (p.Trp3411Ter)

Gene: CUBN (cubilin; minus strand). Cytogenetic location: 10p13.
Variant type: single nucleotide variant.
Coding change: c.10233G>A on transcript NM_001081.4 (MANE Select); coding-DNA position 10233, G replaced by A.
Protein change: p.Trp3411Ter; replaces tryptophan 3411 with a stop codon.
Molecular consequence: nonsense.
Genome position (GRCh38, 1-based): chr10:16,835,143, C>T on the plus strand (G>A on the coding strand, the complement: CUBN is on the minus strand). VCF-style: chr10-16835143-C-T. GRCh37 (hg19) VCF-style: chr10-16877142-C-T.
Other names: short protein forms W3411*.
Identifiers: ClinVar variation 1322176 (VCV001322176.14), dbSNP rs144484373, ClinGen allele CA203537464.

ClinVar aggregate classification (germline): Pathogenic. Review status: criteria provided, multiple submitters, no conflicts (2 of 4 stars). 5 submissions from 5 submitters: Pathogenic (5). Last evaluated 2025-01-07.

Conditions:
Proteinuria, chronic benign. Identifiers: MedGen C5394384, MONDO:0030042, OMIM 618884.
Imerslund-Grasbeck syndrome type 1 (IGS1). Also called: Megaloblastic anemia 1, Finnish type; MEGALOBLASTIC ANEMIA, 1; Imerslund-Gräsbeck syndrome 1. Identifiers: MedGen C4016819, MONDO:0100156, OMIM 261100.
CUBN-related disorder. Also called: CUBN-related condition.
Imerslund-Grasbeck syndrome. Also called: PERNICIOUS ANEMIA, JUVENILE, DUE TO SELECTIVE INTESTINAL MALABSORPTION OF VITAMIN B12, WITH PROTEINURIA; Imerslund-Gräsbeck syndrome; ENTEROCYTE COBALAMIN MALABSORPTION; ENTEROCYTE INTRINSIC FACTOR RECEPTOR, DEFECT OF; Megaloblastic anemia due to inborn errors of metabolism. Identifiers: Orphanet 35858, MedGen C4551825, MONDO:0009853.

Allele frequency attached by ClinVar (database versions not stated): gnomAD 0.00002; gnomAD exomes 0.00001; TOPMed 0.00001; ESP Exome Variant Server 0.00008.
gnomAD v4.1: 28 of 1,613,966 alleles (0.0017%); highest among the groups gnomAD compares: Middle Eastern, 0.016%; no homozygotes.

Submissions (5):

Greenwood Genetic Center Diagnostic Laboratories, Greenwood Genetic Center
Classification: Pathogenic for CUBN-related disorder. Last evaluated: 2025-01-07. Review status: criteria provided, single submitter. Criteria: ACMG Guidelines, 2015. Collection method: clinical testing. Allele origin: germline. Affected: yes.
Comment: PVS1, PM2, PM3

Fulgent Genetics
Classification: Pathogenic for Imerslund-Grasbeck syndrome type 1; Proteinuria, chronic benign. Last evaluated: 2024-02-29. Review status: criteria provided, single submitter. Criteria: ACMG Guidelines, 2015. Collection method: clinical testing. Allele origin: germline.

Labcorp Genetics (formerly Invitae), Labcorp
Classification: Pathogenic for Imerslund-Grasbeck syndrome. Last evaluated: 2023-11-04. Review status: criteria provided, single submitter. Criteria: Invitae Variant Classification Sherloc (09022015). Collection method: clinical testing. Allele origin: germline.
Comment: This sequence change creates a premature translational stop signal (p.Trp3411*) in the CUBN gene. It is expected to result in an absent or disrupted protein product. Loss-of-function variants in CUBN are known to be pathogenic (PMID: 15024727, 22929189, 25349199, 31613795, 34979989). This variant is present in population databases (rs144484373, gnomAD 0.01%). This variant has not been reported in the literature in individuals affected with CUBN-related conditions. ClinVar contains an entry for this variant (Variation ID: 1322176). For these reasons, this variant has been classified as Pathogenic.

Victorian Clinical Genetics Services, Murdoch Childrens Research Institute
Classification: Pathogenic for Imerslund-Grasbeck syndrome type 1. Last evaluated: 2022-02-02. Review status: criteria provided, single submitter. Criteria: ACMG Guidelines, 2015. Collection method: clinical testing. Allele origin: germline. Inheritance: Autosomal recessive inheritance. Affected: yes.
Comment: Based on the classification scheme VCGS_Germline_v1.3.4, this variant is classified as Pathogenic. Following criteria are met: 0102 - Loss of function is a known mechanism of disease in this gene and is associated with Imerslund-Grasbeck syndrome 1 (MIM#261100) and chronic benign proteinuria (MIM#618884). Variants downstream of the vitamin B12/IF-binding domain are enriched in patients with isolated proteinuria (PMID: 31613795). (I) 0106 - This gene is associated with autosomal recessive disease. (I) 0201 - Variant is predicted to cause nonsense-mediated decay (NMD) and loss of protein (premature termination codon is located at least 54 nucleotides upstream of the final exon-exon junction). (SP) 0252 - This variant is homozygous. (I) 0304 - Variant is present in gnomAD (v2) <0.01 for a recessive condition (4 heterozygotes, 0 homozygotes). (SP) 0701 - Other NMD-predicted variants comparable to the one identified in this case have very strong previous evidence for pathogenicity. These variants have been reported as pathogenic, and observed in many individuals with proteinuria and Imerslund-Grasbeck syndrome (ClinVar, PMID: 31613795, PMID: 31497480). (SP) 0807 - This variant has no previous evidence of pathogenicity. (I) 0905 - No published segregation evidence has been identified for this variant. (I) 1007 - No published functional evidence has been identified for this variant. (I) 1208 - Inheritance information for this variant is not currently available in this individual. (I) Legend: (SP) - Supporting pathogenic, (I) - Information, (SB) - Supporting benign

Revvity Omics, Revvity
Classification: Pathogenic. Last evaluated: 2020-10-09. Review status: criteria provided, single submitter. Criteria: ACMG Guidelines, 2015. Collection method: clinical testing. Allele origin: germline.

Literature cited by the submitters: PubMed 15024727 (cited by Labcorp Genetics (formerly Invitae), Labcorp); PubMed 22929189 (cited by Labcorp Genetics (formerly Invitae), Labcorp); PubMed 25349199 (cited by Labcorp Genetics (formerly Invitae), Labcorp); PubMed 31613795 (cited by Labcorp Genetics (formerly Invitae), Labcorp and Victorian Clinical Genetics Services, Murdoch Childrens Research Institute); PubMed 34979989 (cited by Labcorp Genetics (formerly Invitae), Labcorp); PubMed 31497480 (cited by Victorian Clinical Genetics Services, Murdoch Childrens Research Institute).